The following is an entry in ClinVar:

NM_001378452.1(ITPR1):c.2707A>C (p.Thr903Pro)

Gene: ITPR1 (inositol 1,4,5-trisphosphate receptor type 1; plus strand). Cytogenetic location: 3p26.1.
Variant type: single nucleotide variant.
Coding change: c.2707A>C on transcript NM_001378452.1 (MANE Select); coding-DNA position 2707, A replaced by C.
Protein change: p.Thr903Pro; replaces threonine 903 with proline.
Molecular consequence: missense variant.
Genome position (GRCh38, 1-based): chr3:4,675,176, A>C. VCF-style: chr3-4675176-A-C. GRCh37 (hg19) VCF-style: chr3-4716860-A-C.
Other names: c.2707A>C, p.Thr903Pro (NM_001099952.4); c.2662A>C, p.Thr888Pro (NM_001168272.2, NM_002222.7); short protein forms T903P, T888P.
Identifiers: ClinVar variation 1895783 (VCV001895783.5), dbSNP rs772989366, ClinGen allele CA2231483.

ClinVar aggregate classification (germline): Uncertain significance (1 of 4 stars; one submission).

Allele frequency attached by ClinVar (database versions not stated): ExAC 0.00001.
gnomAD v4.1: 1 of 1,612,690 alleles (0.000062%); highest among the groups gnomAD compares: Non-Finnish European, 0.000085%; no homozygotes.

Submission:

Labcorp Genetics (formerly Invitae), Labcorp
Classification: Uncertain significance. Last evaluated: 2024-01-22. Review status: criteria provided, single submitter. Criteria: Invitae Variant Classification Sherloc (09022015). Collection method: clinical testing. Allele origin: germline.
Comment: This sequence change replaces threonine, which is neutral and polar, with proline, which is neutral and non-polar, at codon 888 of the ITPR1 protein (p.Thr888Pro). This variant is present in population databases (rs772989366, gnomAD 0.0009%). This variant has not been reported in the literature in individuals affected with ITPR1-related conditions. ClinVar contains an entry for this variant (Variation ID: 1895783). Advanced modeling of protein sequence and biophysical properties (such as structural, functional, and spatial information, amino acid conservation, physicochemical variation, residue mobility, and thermodynamic stability) performed at Invitae indicates that this missense variant is not expected to disrupt ITPR1 protein function with a negative predictive value of 95%. In summary, the available evidence is currently insufficient to determine the role of this variant in disease. Therefore, it has been classified as a Variant of Uncertain Significance.